The following is an entry in ClinVar:

ClinVar aggregate classification (germline): Conflicting classifications of pathogenicity. Review status: criteria provided, conflicting classifications (1 of 4 stars). 3 submissions from 3 submitters: Uncertain significance (2); Benign (1). Last evaluated 2025-01-13.

Conditions:
Hereditary cancer-predisposing syndrome. Also called: Hereditary Cancer Syndrome; Neoplastic Syndromes, Hereditary; Tumor predisposition; Hereditary neoplastic syndrome. Identifiers: Orphanet 140162, MedGen C0027672, MeSH D009386, MONDO:0015356.
Familial adenomatous polyposis 1 (FAP1). Also called: FAMILIAL ADENOMATOUS POLYPOSIS 1, ATTENUATED; POLYPOSIS, ADENOMATOUS INTESTINAL. Identifiers: MedGen C2713442, MONDO:0021056, OMIM 175100. Disease mechanism: loss of function.

Allele frequency attached by ClinVar (database versions not stated): gnomAD exomes below 0.00001; gnomAD 0.00001.
gnomAD v4.1: 2 of 1,613,986 alleles (0.00012%); highest among the groups gnomAD compares: African/African-American, 0.0013%; no homozygotes.

Submissions (3):

Ambry Genetics
Classification: Uncertain significance for Hereditary cancer-predisposing syndrome. Last evaluated: 2025-01-13. Review status: criteria provided, single submitter. Criteria: Ambry Variant Classification Scheme 2023. Collection method: clinical testing. Allele origin: germline.
Comment: The p.D1698V variant (also known as c.5093A>T), located in coding exon 15 of the APC gene, results from an A to T substitution at nucleotide position 5093. The aspartic acid at codon 1698 is replaced by valine, an amino acid with highly dissimilar properties. This amino acid position is well conserved in available vertebrate species. In addition, in silico predictors for this gene do not accurately predict pathogenicity. Since supporting evidence is limited at this time, the clinical significance of this alteration remains unclear.

Quest Diagnostics Nichols Institute San Juan Capistrano
Classification: Uncertain significance. Last evaluated: 2023-07-18. Review status: criteria provided, single submitter. Criteria: Quest Diagnostics criteria. Collection method: clinical testing. Allele origin: unknown.
Comment: To the best of our knowledge, this variant has not been reported in the published literature. The frequency of this variant in the general population, 0.0000066 (1/152218 chromosomes (Genome Aggregation Database)), is uninformative in the assessment of its pathogenicity. Analysis of this variant using bioinformatics tools for the prediction of the effect of amino acid changes on protein structure and function yielded predictions that this variant is damaging. Based on the available information, we are unable to determine the clinical significance of this variant.

Labcorp Genetics (formerly Invitae), Labcorp
Classification: Benign for Familial adenomatous polyposis 1. Last evaluated: 2023-05-02. Review status: criteria provided, single submitter. Criteria: Invitae Variant Classification Sherloc (09022015). Collection method: clinical testing. Allele origin: germline.

NM_000038.6(APC):c.5093A>T (p.Asp1698Val)

Gene: APC (APC regulator of Wnt signaling pathway; plus strand). Cytogenetic location: 5q22.2.
Variant type: single nucleotide variant.
Coding change: c.5093A>T on transcript NM_000038.6 (MANE Select); coding-DNA position 5093, A replaced by T.
Protein change: p.Asp1698Val; replaces aspartic acid 1698 with valine.
Molecular consequence: missense variant.
Genome position (GRCh38, 1-based): chr5:112,840,687, A>T. VCF-style: chr5-112840687-A-T. GRCh37 (hg19) VCF-style: chr5-112176384-A-T.
Other names: c.3941A>T, p.Asp1314Val (NM_001407471.1, NM_001407472.1); c.5093A>T, p.Asp1698Val (NM_001127510.3, NM_001354895.2, NM_001407450.1); c.5039A>T, p.Asp1680Val (NM_001127511.3); c.5147A>T, p.Asp1716Val (NM_001354896.2, NM_001407447.1, NM_001407448.1 and 1 more transcripts); c.5123A>T, p.Asp1708Val (NM_001354897.2); c.5018A>T, p.Asp1673Val (NM_001354898.2); c.5009A>T, p.Asp1670Val (NM_001354899.2); c.4970A>T, p.Asp1657Val (NM_001354900.2); and 11 more; short protein forms D1314V, D1415V, D1572V, D1597V, D1698V, D1670V, D1538V, D1607V.
Identifiers: ClinVar variation 1745286 (VCV001745286.7), dbSNP rs1765845000, ClinGen allele CA16032466.